The following is an entry in ClinVar:

ClinVar aggregate classification (germline): Uncertain significance (1 of 4 stars; one submission).

Submission:

Labcorp Genetics (formerly Invitae), Labcorp
Classification: Uncertain significance. Last evaluated: 2025-06-08. Review status: criteria provided, single submitter. Criteria: Invitae Variant Classification Sherloc (09022015). Collection method: clinical testing. Allele origin: germline.
Comment: This variant, c.249_250delinsTC, is a complex sequence change that results in the deletion of 2 and insertion of 2 amino acid(s) in the LONP1 protein (p.Glu83_Asp84delinsAspHis). Information on the frequency of this variant in the gnomAD database is not available, as this variant may be reported differently in the database. This variant has not been reported in the literature in individuals affected with LONP1-related conditions. Experimental studies and prediction algorithms are not available or were not evaluated, and the functional significance of this variant is currently unknown. In summary, the available evidence is currently insufficient to determine the role of this variant in disease. Therefore, it has been classified as a Variant of Uncertain Significance.

NM_004793.4(LONP1):c.249_250delinsTC (p.Glu83_Asp84delinsAspHis)

Gene: LONP1 (lon peptidase 1, mitochondrial; minus strand). Cytogenetic location: 19p13.3.
Variant type: Indel.
Coding change: c.249_250delinsTC on transcript NM_004793.4 (MANE Select); coding-DNA positions 249 to 250, GG replaced by TC.
Protein change: p.Glu83_Asp84delinsAspHis.
Molecular consequence: missense variant. On other transcripts: intron variant (2).
Genome position (GRCh38, 1-based): chr19:5,719,883-5,719,884, CC replaced by GA on the plus strand (GG replaced by TC on the coding strand, the reverse complement: LONP1 is on the minus strand). VCF-style: chr19-5719883-CC-GA. GRCh37 (hg19) VCF-style: chr19-5719894-CC-GA.
Other names: c.-160+335_-160+336delinsTC (NM_001276480.1); c.125-68_125-67delinsTC (NM_001276479.2).
Identifiers: ClinVar variation 4780566 (VCV004780566.1).
Genomic context (GRCh38, chr19:5,719,883, plus strand): 5'-CGGCGCCCGCGCTGCCCCCCGCGCCGCCGGCTCCTTCCTCCGCGCCGCCCTCGGAGGCGT[CC>GA]TCGCCCCCCGAGAATGCGCCTCCGCCGCGGCTGCTCGCTTCCCAAAACCCCCGCCATTGG-3'